The following is an entry in ClinVar:

ClinVar aggregate classification (germline): Uncertain significance (1 of 4 stars; one submission).

Conditions:
Trichorhinophalangeal dysplasia type I (TRPS1). Also called: TRICHORHINOPHALANGEAL SYNDROME, TYPE I; TRPS I. Identifiers: Orphanet 77258, MedGen C0432233, MONDO:0008596, OMIM 190350.
Trichorhinophalangeal syndrome, type III (TRPS3). Also called: SUGIO-KAJII SYNDROME. Identifiers: Orphanet 77258, MedGen C1860823, OMIM 190351, MONDO:0008597.

Submission:

Labcorp Genetics (formerly Invitae), Labcorp
Classification: Uncertain significance for Trichorhinophalangeal syndrome, type III; Trichorhinophalangeal dysplasia type I. Last evaluated: 2024-09-03. Review status: criteria provided, single submitter. Criteria: Invitae Variant Classification Sherloc (09022015). Collection method: clinical testing. Allele origin: germline.
Comment: This sequence change replaces glutamine, which is neutral and polar, with histidine, which is basic and polar, at codon 369 of the TRPS1 protein (p.Gln369His). This variant is not present in population databases (gnomAD no frequency). This variant has not been reported in the literature in individuals affected with TRPS1-related conditions. Invitae Evidence Modeling of protein sequence and biophysical properties (such as structural, functional, and spatial information, amino acid conservation, physicochemical variation, residue mobility, and thermodynamic stability) indicates that this missense variant is not expected to disrupt TRPS1 protein function with a negative predictive value of 80%. In summary, the available evidence is currently insufficient to determine the role of this variant in disease. Therefore, it has been classified as a Variant of Uncertain Significance.

NM_014112.5(TRPS1):c.1107G>C (p.Gln369His)

Gene: TRPS1 (transcriptional repressor GATA binding 1; minus strand). Cytogenetic location: 8q23.3.
Variant type: single nucleotide variant.
Coding change: c.1107G>C on transcript NM_014112.5 (MANE Select); coding-DNA position 1107, G replaced by C.
Protein change: p.Gln369His; replaces glutamine 369 with histidine.
Molecular consequence: missense variant.
Genome position (GRCh38, 1-based): chr8:115,604,862, C>G on the plus strand (G>C on the coding strand, the complement: TRPS1 is on the minus strand). VCF-style: chr8-115604862-C-G. GRCh37 (hg19) VCF-style: chr8-116617089-C-G.
Other names: c.1080G>C, p.Gln360His (NM_001282902.3); c.1086G>C, p.Gln362His (NM_001282903.3); c.1068G>C, p.Gln356His (NM_001330599.2); short protein forms Q356H, Q360H, Q362H, Q369H.
Identifiers: ClinVar variation 3762635 (VCV003762635.2).